The following is an entry in ClinVar:

ClinVar aggregate classification (germline): Likely benign (1 of 4 stars; one submission).

Submission:

CeGaT Center for Human Genetics Tuebingen
Classification: Likely benign. Last evaluated: 2024-09-01. Review status: criteria provided, single submitter. Criteria: CeGaT Center For Human Genetics Tuebingen Variant Classification Criteria Version 2. Collection method: clinical testing. Allele origin: germline. Affected: yes. Observed: 1 variant allele.
Comment: SPG7: BP4, BP7

NM_003119.4(SPG7):c.348G>A (p.Ser116=)

Gene: SPG7 (SPG7 matrix AAA peptidase subunit, paraplegin; plus strand). Cytogenetic location: 16q24.3.
Variant type: single nucleotide variant.
Coding change: c.348G>A on transcript NM_003119.4 (MANE Select); coding-DNA position 348, G replaced by A.
Protein change: p.Ser116=; no amino-acid change (serine 116 retained).
Molecular consequence: synonymous variant.
Genome position (GRCh38, 1-based): chr16:89,513,009, G>A. VCF-style: chr16-89513009-G-A. GRCh37 (hg19) VCF-style: chr16-89579417-G-A.
Other names: c.348G>A, p.Ser116= (NM_001363850.1, NM_199367.3).
Identifiers: ClinVar variation 3389001 (VCV003389001.14).